The following is an entry in ClinVar:

ClinVar aggregate classification (germline): Pathogenic. Review status: criteria provided, multiple submitters, no conflicts (2 of 4 stars). 6 submissions from 6 submitters: Pathogenic (5). 1 of the submissions does not count toward it. Last evaluated 2025-10-28.
ClinVar aggregate classification (somatic clinical impact): Tier I - Strong (1 of 4 stars; one submission).

Conditions:
Hereditary cancer-predisposing syndrome. Also called: Tumor predisposition; Hereditary neoplastic syndrome; Hereditary Cancer Syndrome; Neoplastic Syndromes, Hereditary. Identifiers: Orphanet 140162, MedGen C0027672, MeSH D009386, MONDO:0015356.
Peutz-Jeghers syndrome (PJS). Also called: Peutz-Jeghers polyposis; Periorificial lentiginosis syndrome; POLYPOSIS, HAMARTOMATOUS INTESTINAL; POLYPS-AND-SPOTS SYNDROME. Identifiers: Orphanet 2869, MedGen C0031269, MeSH D010580, MONDO:0008280, OMIM 175200.
Ovarian sex cord-stromal tumor. Identifiers: MedGen C0600113, MONDO:0021657, HP:0031918.

Submissions (7):

Labcorp Genetics (formerly Invitae), Labcorp
Classification: Pathogenic for Peutz-Jeghers syndrome. Last evaluated: 2025-10-28. Review status: criteria provided, single submitter. Criteria: Invitae Variant Classification Sherloc (09022015). Collection method: clinical testing. Allele origin: germline.
Comment: This sequence change creates a premature translational stop signal (p.Lys84*) in the STK11 gene. It is expected to result in an absent or disrupted protein product. Loss-of-function variants in STK11 are known to be pathogenic (PMID: 15188174, 16287113). This variant is not present in population databases (gnomAD no frequency). This premature translational stop signal has been observed in individuals with Peutz-Jeghers syndrome (PMID: 9428765, 9887330, 15188174, 17404884). Invitae Evidence Modeling of clinical and family history, age, sex, and reported ancestry of multiple individuals with this STK11 variant has been performed. This variant is expected to be pathogenic with a positive predictive value of at least 99%. This is a validated machine learning model that incorporates the clinical features of 656,629 individuals referred to our laboratory for STK11 testing. ClinVar contains an entry for this variant (Variation ID: 7443). For these reasons, this variant has been classified as Pathogenic.

Institute for Genomic Medicine (IGM) Clinical Laboratory, Nationwide Children's Hospital
Classification: Tier I - Strong for Ovarian sex cord-stromal tumor. Assertion type: diagnostic. Clinical significance: supports diagnosis. Last evaluated: 2025-07-17. Review status: criteria provided, single submitter. Criteria: AMP/ASCO/CAP Guidelines, 2017. Collection method: clinical testing. Allele origin: somatic. Affected: yes.
Comment: Variant has Tier I (strong) clinical significance as a diagnostic inclusion criterion in ovarian sex cord-stromal tumor, based on the following evidence: 1) Documented in one or more cancer databases (e.g., St. Jude Pecan, COSMIC, CIViC, OncoKB). 2) Information in the literature supports potential biologic effect of variant. 3) Diagnostic for a specific tumor type/classification based on well-powered studies with expert-level consensus (Evidence Level B; PMIDs: 33534223, 39169716, 39225118, 31591497, 30134342, 37334562, 34386569).

Genome-Nilou Lab
Classification: Pathogenic for Peutz-Jeghers syndrome. Last evaluated: 2021-07-15. Review status: criteria provided, single submitter. Criteria: ACMG Guidelines, 2015. Collection method: clinical testing. Allele origin: germline. Affected: no.

GeneDx
Classification: Pathogenic. Last evaluated: 2021-04-29. Review status: criteria provided, single submitter. Criteria: GeneDx Variant Classification Process June 2021. Collection method: clinical testing. Allele origin: germline. Affected: yes.
Comment: Nonsense variant predicted to result in protein truncation or nonsense mediated decay in a gene for which loss-of-function is a known mechanism of disease; Not observed in large population cohorts (Lek 2016); This variant is associated with the following publications: (PMID: 9428765, 24830819, 29310834, 24652667, 28251689, 28082048, 32390703, 9887330, 17404884, 12865922, 15188174, 30092773, 30807303, 31515776, 28152038)

Ambry Genetics
Classification: Pathogenic for Hereditary cancer-predisposing syndrome. Last evaluated: 2020-01-23. Review status: criteria provided, single submitter. Criteria: Ambry Variant Classification Scheme 2023. Collection method: clinical testing. Allele origin: germline.
Comment: The p.K84* pathogenic mutation (also known as c.250A>T), located in coding exon 1 of the STK11 gene, results from an A to T substitution at nucleotide position 250. This changes the amino acid from a lysine to a stop codon within coding exon 1. This mutation has been reported in several unrelated individuals diagnosed with Peutz-Jeghers syndrome (Hemminki A et al. Nature 1998 Jan;391:184-7; Lim W et al. Gastroenterology 2004 Jun;126:1788-94; Mehenni H et al. Dig. Dis. Sci. 2007 Aug;52:1924-33; Jiang Y et al. BMC Med. Genet. 2018 08;19(1):141). In addition to the clinical data presented in the literature, this alteration is expected to result in loss of function by premature protein truncation or nonsense-mediated mRNA decay. As such, this alteration is interpreted as a disease-causing mutation.

Quest Diagnostics Nichols Institute San Juan Capistrano
Classification: Pathogenic. Last evaluated: 2018-01-12. Review status: criteria provided, single submitter. Criteria: Quest Diagnostics criteria. Collection method: clinical testing. Allele origin: germline.

OMIM
Classification: Pathogenic for PEUTZ-JEGHERS SYNDROME. Last evaluated: 1998-01-08. Review status: no assertion criteria provided. Collection method: literature only. Allele origin: germline. Not counted in ClinVar's aggregate classification.

Literature cited by the submitters: PubMed 15188174 (cited by Labcorp Genetics (formerly Invitae), Labcorp and Ambry Genetics); PubMed 16287113 (cited by Labcorp Genetics (formerly Invitae), Labcorp); PubMed 9428765 (cited by 3 submitters); PubMed 9887330 (cited by Labcorp Genetics (formerly Invitae), Labcorp); PubMed 17404884 (cited by Labcorp Genetics (formerly Invitae), Labcorp and Ambry Genetics); PubMed 33534223 (cited by Institute for Genomic Medicine (IGM) Clinical Laboratory, Nationwide Children's Hospital); PubMed 39169716 (cited by Institute for Genomic Medicine (IGM) Clinical Laboratory, Nationwide Children's Hospital); PubMed 39225118 (cited by Institute for Genomic Medicine (IGM) Clinical Laboratory, Nationwide Children's Hospital); PubMed 31591497 (cited by Institute for Genomic Medicine (IGM) Clinical Laboratory, Nationwide Children's Hospital); PubMed 30134342 (cited by Institute for Genomic Medicine (IGM) Clinical Laboratory, Nationwide Children's Hospital); PubMed 37334562 (cited by Institute for Genomic Medicine (IGM) Clinical Laboratory, Nationwide Children's Hospital); PubMed 34386569 (cited by Institute for Genomic Medicine (IGM) Clinical Laboratory, Nationwide Children's Hospital).

NM_000455.5(STK11):c.250A>T (p.Lys84Ter)

Gene: STK11 (serine/threonine kinase 11; plus strand). Cytogenetic location: 19p13.3.
Variant type: single nucleotide variant.
Coding change: c.250A>T on transcript NM_000455.5 (MANE Select); coding-DNA position 250, A replaced by T.
Protein change: p.Lys84Ter; replaces lysine 84 with a stop codon.
Molecular consequence: nonsense.
Genome position (GRCh38, 1-based): chr19:1,207,163, A>T. VCF-style: chr19-1207163-A-T. GRCh37 (hg19) VCF-style: chr19-1207162-A-T.
Other names: short protein forms K84*.
Identifiers: ClinVar variation 7443 (VCV000007443.22), dbSNP rs137853076, ClinGen allele CA022756.
Genomic context (GRCh38, chr19:1,207,163, plus strand): 5'-AAGGAGGTGCTGGACTCGGAGACGCTGTGCAGGAGGGCCGTCAAGATCCTCAAGAAGAAG[A>T]AGTTGCGAAGGATCCCCAACGGGGAGGCCAACGTGAAGAAGTAAGTATGGCTTGCTGGGG-3'